The following is an entry in ClinVar:

ClinVar aggregate classification (germline): Benign/Likely benign. Review status: criteria provided, multiple submitters, no conflicts (2 of 4 stars). 9 submissions from 9 submitters: Benign (1); Likely benign (8). Last evaluated 2026-01-18.

Conditions:
Breast-ovarian cancer, familial, susceptibility to, 3. Also called: RAD51C-Related Breast/Ovarian Cancer. Identifiers: Orphanet 145, MedGen C3150659, MONDO:0013253, OMIM 613399.
Hereditary cancer-predisposing syndrome. Also called: Tumor predisposition; Hereditary Cancer Syndrome; Hereditary neoplastic syndrome; Neoplastic Syndromes, Hereditary. Identifiers: Orphanet 140162, MedGen C0027672, MeSH D009386, MONDO:0015356.
Fanconi anemia complementation group O. Also called: RAD51C-Related Fanconi Anemia. Identifiers: Orphanet 84, MedGen C3150653, MONDO:0013248, OMIM 613390.

Allele frequency attached by ClinVar (database versions not stated): gnomAD 0.00002 and 0.00003; TOPMed 0.00003; gnomAD exomes 0.00005; ExAC 0.00010; 1000 Genomes Project 30x 0.00016; 1000 Genomes Project 0.00020.
gnomAD v4.1: 23 of 1,613,470 alleles (0.0014%); highest among the groups gnomAD compares: East Asian, 0.049%; no homozygotes.

Submissions (9):

Labcorp Genetics (formerly Invitae), Labcorp
Classification: Likely benign for Fanconi anemia complementation group O. Last evaluated: 2026-01-18. Review status: criteria provided, single submitter. Criteria: Invitae Variant Classification Sherloc (09022015). Collection method: clinical testing. Allele origin: germline.

Women's Health and Genetics/Laboratory Corporation of America, LabCorp
Classification: Likely benign. Last evaluated: 2025-09-02. Review status: criteria provided, single submitter. Criteria: LabCorp Variant Classification Summary - May 2015. Collection method: clinical testing. Allele origin: germline.

Myriad Genetics, Inc.
Classification: Benign for Breast-ovarian cancer, familial, susceptibility to, 3. Last evaluated: 2025-02-19. Review status: criteria provided, single submitter. Criteria: Myriad Autosomal Dominant, Autosomal Recessive and X-Linked Classification Criteria (2023). Collection method: clinical testing. Allele origin: unknown.
Comment: This variant is considered benign. This variant is a silent/synonymous amino acid change and it is not expected to impact splicing.

Department of Pathology and Laboratory Medicine, Sinai Health System
Classification: Likely benign for Breast-ovarian cancer, familial, susceptibility to, 3. Last evaluated: 2022-03-30. Review status: criteria provided, single submitter. Criteria: ACMG Guidelines, 2015. Collection method: clinical testing. Allele origin: germline. Affected: yes.

Fulgent Genetics
Classification: Likely benign for Fanconi anemia complementation group O; Breast-ovarian cancer, familial, susceptibility to, 3. Last evaluated: 2021-11-12. Review status: criteria provided, single submitter. Criteria: ACMG Guidelines, 2015. Collection method: clinical testing. Allele origin: unknown.

Sema4
Classification: Likely benign for Hereditary cancer-predisposing syndrome. Last evaluated: 2020-11-06. Review status: criteria provided, single submitter. Criteria: Sema4 Curation Guidelines. Collection method: curation. Allele origin: germline.

GeneDx
Classification: Likely benign. Last evaluated: 2019-10-09. Review status: criteria provided, single submitter. Criteria: GeneDx Variant Classification Process June 2021. Collection method: clinical testing. Allele origin: germline. Affected: yes.

Color Diagnostics, LLC DBA Color Health
Classification: Likely benign for Hereditary cancer-predisposing syndrome. Last evaluated: 2016-12-06. Review status: criteria provided, single submitter. Criteria: ACMG Guidelines, 2015. Collection method: clinical testing. Allele origin: germline.

Ambry Genetics
Classification: Likely benign for Hereditary cancer-predisposing syndrome. Last evaluated: 2015-03-12. Review status: criteria provided, single submitter. Criteria: Ambry Variant Classification Scheme 2023. Collection method: clinical testing. Allele origin: germline.

NM_058216.3(RAD51C):c.1089G>A (p.Leu363=)

Gene: RAD51C (RAD51 paralog C; plus strand). Cytogenetic location: 17q22.
Variant type: single nucleotide variant.
Coding change: c.1089G>A on transcript NM_058216.3 (MANE Select); coding-DNA position 1089, G replaced by A.
Protein change: p.Leu363=; no amino-acid change (leucine 363 retained).
Molecular consequence: synonymous variant. On other transcripts: non-coding transcript variant (1).
Genome position (GRCh38, 1-based): chr17:58,734,180, G>A. VCF-style: chr17-58734180-G-A. GRCh37 (hg19) VCF-style: chr17-56811541-G-A.
Identifiers: ClinVar variation 184434 (VCV000184434.24), dbSNP rs559647198, ClinGen allele CA188958.